The following is an entry in ClinVar:

NM_025179.4(PLXNA2):c.5175C>T (p.Asp1725=)

Gene: PLXNA2 (plexin A2; minus strand). Cytogenetic location: 1q32.2.
Variant type: single nucleotide variant.
Coding change: c.5175C>T on transcript NM_025179.4 (MANE Select); coding-DNA position 5175, C replaced by T.
Protein change: p.Asp1725=; no amino-acid change (aspartic acid 1725 retained).
Molecular consequence: synonymous variant.
Genome position (GRCh38, 1-based): chr1:208,031,640, G>A on the plus strand (C>T on the coding strand, the complement: PLXNA2 is on the minus strand). VCF-style: chr1-208031640-G-A. GRCh37 (hg19) VCF-style: chr1-208204985-G-A.
Identifiers: ClinVar variation 3036724 (VCV003036724.2), dbSNP rs766991936, ClinGen allele CA1372645.

ClinVar aggregate classification (germline): Likely benign (0 of 4 stars; one submission).

Conditions:
PLXNA2-related disorder. Also called: PLXNA2-related condition.

Allele frequency attached by ClinVar (database versions not stated): ExAC 0.00005; gnomAD 0.00005; gnomAD exomes 0.00009.
gnomAD v4.1: 134 of 1,613,864 alleles (0.0083%); highest among the groups gnomAD compares: Middle Eastern, 0.016%; no homozygotes.

Submission:

PreventionGenetics, part of Exact Sciences
Classification: Likely benign for PLXNA2-related condition. Last evaluated: 2022-03-24. Review status: no assertion criteria provided. Collection method: clinical testing. Allele origin: germline.
Comment: This variant is classified as likely benign based on ACMG/AMP sequence variant interpretation guidelines (Richards et al. 2015 PMID: 25741868, with internal and published modifications).